The following is an entry in ClinVar:

ClinVar aggregate classification (germline): Uncertain significance (1 of 4 stars; one submission).

Allele frequency attached by ClinVar (database versions not stated): gnomAD 0.00002; TOPMed 0.00002; gnomAD exomes 0.00003; ExAC 0.00005.
gnomAD v4.1: 45 of 1,613,862 alleles (0.0028%); highest among the groups gnomAD compares: Admixed American, 0.0033%; no homozygotes.

Submission:

Labcorp Genetics (formerly Invitae), Labcorp
Classification: Uncertain significance. Last evaluated: 2022-08-08. Review status: criteria provided, single submitter. Criteria: Invitae Variant Classification Sherloc (09022015). Collection method: clinical testing. Allele origin: germline.
Comment: This sequence change replaces glutamine, which is neutral and polar, with proline, which is neutral and non-polar, at codon 347 of the CENPJ protein (p.Gln347Pro). This variant is present in population databases (rs754304759, gnomAD 0.004%). This variant has not been reported in the literature in individuals affected with CENPJ-related conditions. Algorithms developed to predict the effect of missense changes on protein structure and function are either unavailable or do not agree on the potential impact of this missense change (SIFT: "Deleterious"; PolyPhen-2: "Benign"; Align-GVGD: "Class C0"). In summary, the available evidence is currently insufficient to determine the role of this variant in disease. Therefore, it has been classified as a Variant of Uncertain Significance.

NM_018451.5(CPAP):c.1040A>C (p.Gln347Pro)

Gene: CPAP (centrosome assembly and centriole elongation protein; minus strand). Cytogenetic location: 13q12.13.
Variant type: single nucleotide variant.
Coding change: c.1040A>C on transcript NM_018451.5 (MANE Select); coding-DNA position 1040, A replaced by C.
Protein change: p.Gln347Pro; replaces glutamine 347 with proline.
Molecular consequence: missense variant. On other transcripts: non-coding transcript variant (2).
Genome position (GRCh38, 1-based): chr13:24,907,128, T>G on the plus strand (A>C on the coding strand, the complement: CPAP is on the minus strand). VCF-style: chr13-24907128-T-G. GRCh37 (hg19) VCF-style: chr13-25481266-T-G.
Other names: short protein forms Q347P.
Identifiers: ClinVar variation 2092525 (VCV002092525.1), dbSNP rs754304759, ClinGen allele CA6919842.